The following is an entry in ClinVar:

ClinVar aggregate classification (germline): Pathogenic (1 of 4 stars; one submission).

Conditions:
Gaucher disease. Also called: Acute cerebral Gaucher disease; Cerebroside lipidosis syndrome; Gaucher splenomegaly; Sphingolipidosis 1; Glucocerebrosidosis; Glucosylceramidase deficiency. Identifiers: Orphanet 355, MedGen C0017205, MONDO:0018150.

Submission:

Natera, Inc.
Classification: Pathogenic for Gaucher disease. Last evaluated: 2025-10-08. Review status: criteria provided, single submitter. Criteria: Natera Variant Classification Schema (03/2026). Collection method: clinical testing. Allele origin: germline.
Comment: The c.762-2A>G variant in GBA1 is a canonical splice acceptor site variant predicted to affect pre-mRNA splicing, which may result in an abnormal transcript and altered protein product. This variant is expected to result in nonsense mediated decay, truncation, or a dysfunctional protein product. This variant is rare in the general population with a frequency below the threshold expected for the associated phenotype(s). This variant has been observed in one or more individuals affected with the associated recessive disease, as either homozygous or compound heterozygous with a second variant (PMID: 32547927). Another variant at this same site results in an alteration predicted to cause a similar molecular effect has been observed in individual(s) with the associated phenotype. Given the available evidence, this variant is classified as Pathogenic.

Literature cited by the submitters: PubMed 32547927.

NM_000157.4(GBA1):c.762-2A>G

Genes: GBA1 (glucosylceramidase beta 1; minus strand), LOC106627981 (GBA recombination region; plus strand). Cytogenetic location: 1q22.
Variant type: single nucleotide variant.
Coding change: c.762-2A>G on transcript NM_000157.4 (MANE Select); the canonical splice acceptor site of the intron before coding-DNA position 762, A replaced by G.
Molecular consequence: splice acceptor variant.
Genome position (GRCh38, 1-based): chr1:155,237,580, T>C on the plus strand (A>G on the coding strand, the complement: GBA1 is on the minus strand). VCF-style: chr1-155237580-T-C. GRCh37 (hg19) VCF-style: chr1-155207371-T-C.
Other names: c.501-2A>G (NM_001171811.2); c.762-2A>G (NM_001005742.3, NM_001005741.3, NM_000157.3); c.615-2A>G (NM_001171812.2).
Identifiers: ClinVar variation 4817809 (VCV004817809.1), dbSNP rs2148075664.